The following is an entry in ClinVar:

ClinVar aggregate classification (germline): Uncertain significance (1 of 4 stars; one submission).

Allele frequency attached by ClinVar (database versions not stated): TOPMed 0.00001; gnomAD 0.00002; gnomAD exomes 0.00002.

Submission:

Labcorp Genetics (formerly Invitae), Labcorp
Classification: Uncertain significance. Last evaluated: 2022-12-06. Review status: criteria provided, single submitter. Criteria: Invitae Variant Classification Sherloc (09022015). Collection method: clinical testing. Allele origin: germline.
Comment: In summary, the available evidence is currently insufficient to determine the role of this variant in disease. Therefore, it has been classified as a Variant of Uncertain Significance. Algorithms developed to predict the effect of missense changes on protein structure and function are either unavailable or do not agree on the potential impact of this missense change (SIFT: "Deleterious"; PolyPhen-2: "Possibly Damaging"; Align-GVGD: "Class C0"). This variant has not been reported in the literature in individuals affected with MAP3K7-related conditions. This variant is present in population databases (no rsID available, gnomAD 0.01%). This sequence change replaces leucine, which is neutral and non-polar, with phenylalanine, which is neutral and non-polar, at codon 219 of the MAP3K7 protein (p.Leu219Phe).

NM_145331.3(MAP3K7):c.655C>T (p.Leu219Phe)

Gene: MAP3K7 (mitogen-activated protein kinase kinase kinase 7; minus strand). Cytogenetic location: 6q15.
Variant type: single nucleotide variant.
Coding change: c.655C>T on transcript NM_145331.3 (MANE Select); coding-DNA position 655, C replaced by T.
Protein change: p.Leu219Phe; replaces leucine 219 with phenylalanine.
Molecular consequence: missense variant.
Genome position (GRCh38, 1-based): chr6:90,553,539, G>A on the plus strand (C>T on the coding strand, the complement: MAP3K7 is on the minus strand). VCF-style: chr6-90553539-G-A. GRCh37 (hg19) VCF-style: chr6-91263258-G-A.
Other names: c.655C>T, p.Leu219Phe (NM_003188.4, NM_145332.3, NM_145333.3); short protein forms L219F.
Identifiers: ClinVar variation 2042493 (VCV002042493.4), dbSNP rs1338362778, ClinGen allele CA365012458.